The following is an entry in ClinVar:

ClinVar aggregate classification (germline): Uncertain significance. Review status: criteria provided, multiple submitters, no conflicts (2 of 4 stars). 2 submissions from 2 submitters: Uncertain significance (2). Last evaluated 2024-12-31.

Conditions:
Hereditary cancer-predisposing syndrome. Also called: Tumor predisposition; Hereditary neoplastic syndrome; Neoplastic Syndromes, Hereditary; Hereditary Cancer Syndrome. Identifiers: Orphanet 140162, MedGen C0027672, MeSH D009386, MONDO:0015356.
Familial adenomatous polyposis 1 (FAP1). Also called: FAMILIAL ADENOMATOUS POLYPOSIS 1, ATTENUATED; POLYPOSIS, ADENOMATOUS INTESTINAL. Identifiers: MedGen C2713442, MONDO:0021056, OMIM 175100. Disease mechanism: loss of function.

Allele frequency attached by ClinVar (database versions not stated): TOPMed below 0.00001.

Submissions (2):

Ambry Genetics
Classification: Uncertain significance for Hereditary cancer-predisposing syndrome. Last evaluated: 2024-12-31. Review status: criteria provided, single submitter. Criteria: Ambry Variant Classification Scheme 2023. Collection method: clinical testing. Allele origin: germline.
Comment: The p.K435E variant (also known as c.1303A>G), located in coding exon 9 of the APC gene, results from an A to G substitution at nucleotide position 1303. The lysine at codon 435 is replaced by glutamic acid, an amino acid with similar properties. This amino acid position is well conserved in available vertebrate species. In addition, in silico predictors for this gene do not accurately predict pathogenicity. Missense alterations in APC are not a common cause of disease (Spier I et al. Genet Med. 2024 Feb;26(2):100992). Based on the available evidence, the clinical significance of this variant remains unclear.

Labcorp Genetics (formerly Invitae), Labcorp
Classification: Uncertain significance for Familial adenomatous polyposis 1. Last evaluated: 2022-09-14. Review status: criteria provided, single submitter. Criteria: Invitae Variant Classification Sherloc (09022015). Collection method: clinical testing. Allele origin: germline.
Comment: This sequence change replaces lysine, which is basic and polar, with glutamic acid, which is acidic and polar, at codon 435 of the APC protein (p.Lys435Glu). This variant is not present in population databases (gnomAD no frequency). This variant has not been reported in the literature in individuals affected with APC-related conditions. Advanced modeling of protein sequence and biophysical properties (such as structural, functional, and spatial information, amino acid conservation, physicochemical variation, residue mobility, and thermodynamic stability) performed at Invitae indicates that this missense variant is not expected to disrupt APC protein function. In summary, the available evidence is currently insufficient to determine the role of this variant in disease. Therefore, it has been classified as a Variant of Uncertain Significance.

NM_000038.6(APC):c.1303A>G (p.Lys435Glu)

Gene: APC (APC regulator of Wnt signaling pathway; plus strand). Cytogenetic location: 5q22.2.
Variant type: single nucleotide variant.
Coding change: c.1303A>G on transcript NM_000038.6 (MANE Select); coding-DNA position 1303, A replaced by G.
Protein change: p.Lys435Glu; replaces lysine 435 with glutamic acid.
Molecular consequence: missense variant.
Genome position (GRCh38, 1-based): chr5:112,819,335, A>G. VCF-style: chr5-112819335-A-G. GRCh37 (hg19) VCF-style: chr5-112155032-A-G.
Other names: c.1303A>G (NM_000038.5); c.1303A>G, p.Lys435Glu (NM_001127510.3, NM_001354895.2, NM_001354896.2 and 4 more transcripts); c.1249A>G, p.Lys417Glu (NM_001127511.3); c.1333A>G, p.Lys445Glu (NM_001354897.2, NM_001407446.1); c.1228A>G, p.Lys410Glu (NM_001354898.2, NM_001407451.1); c.1219A>G, p.Lys407Glu (NM_001354899.2, NM_001407452.1); c.1126A>G, p.Lys376Glu (NM_001354900.2, NM_001354901.2, NM_001407453.1); c.1030A>G, p.Lys344Glu (NM_001354902.2); and 6 more; short protein forms K407E, K275E, K306E, K344E, K435E, K334E, K410E, K445E.
Identifiers: ClinVar variation 2178046 (VCV002178046.5), dbSNP rs959505072, ClinGen allele CA16024158.